The following is an entry in ClinVar:

ClinVar aggregate classification (germline): Conflicting classifications of pathogenicity. Review status: criteria provided, conflicting classifications (1 of 4 stars). 2 submissions from 2 submitters: Uncertain significance (1); Likely benign (1). Last evaluated 2024-07-23.

Conditions:
Long QT syndrome (LQTS). Identifiers: MedGen C0023976, MeSH D008133, MONDO:0002442. Disease mechanism: loss of function. Inheritance: Various modes of inheritance.

Submissions (2):

GeneDx
Classification: Uncertain significance. Last evaluated: 2024-07-23. Review status: criteria provided, single submitter. Criteria: GeneDx Variant Classification Process June 2021. Collection method: clinical testing. Allele origin: germline. Affected: yes.
Comment: Not observed at significant frequency in large population cohorts (gnomAD); In silico analysis supports a deleterious effect on splicing; Has not been previously published as pathogenic or benign to our knowledge

Labcorp Genetics (formerly Invitae), Labcorp
Classification: Likely benign for Long QT syndrome. Last evaluated: 2019-09-02. Review status: criteria provided, single submitter. Criteria: Invitae Variant Classification Sherloc (09022015). Collection method: clinical testing. Allele origin: germline.

NM_003098.3(SNTA1):c.292C>T (p.Leu98=)

Genes: SNTA1 (syntrophin alpha 1; minus strand), LOC130065679 (ATAC-STARR-seq lymphoblastoid silent region 12811; plus strand). Cytogenetic location: 20q11.21.
Variant type: single nucleotide variant.
Coding change: c.292C>T on transcript NM_003098.3 (MANE Select); coding-DNA position 292, C replaced by T.
Protein change: p.Leu98=; no amino-acid change (leucine 98 retained).
Molecular consequence: synonymous variant.
Genome position (GRCh38, 1-based): chr20:33,443,329, G>A on the plus strand (C>T on the coding strand, the complement: SNTA1 is on the minus strand). VCF-style: chr20-33443329-G-A. GRCh37 (hg19) VCF-style: chr20-32031135-G-A.
Other names: c.292C>T (NM_003098.2).
Identifiers: ClinVar variation 1098040 (VCV001098040.10), dbSNP rs2146814454, ClinGen allele CA510252398.